The following is an entry in ClinVar:

NM_182961.4(SYNE1):c.16037T>C (p.Leu5346Ser)

Gene: SYNE1 (spectrin repeat containing nuclear envelope protein 1; minus strand). Cytogenetic location: 6q25.2.
Variant type: single nucleotide variant.
Coding change: c.16037T>C on transcript NM_182961.4 (MANE Select); coding-DNA position 16037, T replaced by C.
Protein change: p.Leu5346Ser; replaces leucine 5346 with serine.
Molecular consequence: missense variant.
Genome position (GRCh38, 1-based): chr6:152,321,767, A>G on the plus strand (T>C on the coding strand, the complement: SYNE1 is on the minus strand). VCF-style: chr6-152321767-A-G. GRCh37 (hg19) VCF-style: chr6-152642902-A-G.
Other names: c.15824T>C, p.Leu5275Ser (NM_033071.5); short protein forms L5275S, L5346S.
Identifiers: ClinVar variation 4085830 (VCV004085830.8).
Genomic context (GRCh38, chr6:152,321,767, plus strand): 5'-AGACTTTTTTGTACCTGAAGTTCTTCAAGTTGAGCATCTATTTCTATTGTTGGATTCCCT[A>G]AATATTCTTTCGTTTCCTGAACCCAACATTTCACAGAATTGATCTGAGTCTCCACCATTT-3'
Protein context (NP_892006.3, residues 5336-5356): KCWVQETKEY[Leu5346Ser]GNPTIEIDAQ

ClinVar aggregate classification (germline): Uncertain significance (1 of 4 stars; one submission).

gnomAD v4.1: 2 of 1,614,016 alleles (0.00012%); highest among the groups gnomAD compares: Non-Finnish European, 0.00017%; no homozygotes.

Submission:

CeGaT Center for Human Genetics Tuebingen
Classification: Uncertain significance. Last evaluated: 2025-08-01. Review status: criteria provided, single submitter. Criteria: CeGaT Center For Human Genetics Tuebingen Variant Classification Criteria Version 2. Collection method: clinical testing. Allele origin: germline. Affected: yes. Observed: 1 variant allele.
Comment: SYNE1: PM2, BP4